The following is an entry in ClinVar:

NM_178161.3(PTF1A):c.428G>A (p.Gly143Glu)

Gene: PTF1A (pancreas associated transcription factor 1a; plus strand). Cytogenetic location: 10p12.2.
Variant type: single nucleotide variant.
Coding change: c.428G>A on transcript NM_178161.3 (MANE Select); coding-DNA position 428, G replaced by A.
Protein change: p.Gly143Glu; replaces glycine 143 with glutamic acid.
Molecular consequence: missense variant.
Genome position (GRCh38, 1-based): chr10:23,192,958, G>A. VCF-style: chr10-23192958-G-A. GRCh37 (hg19) VCF-style: chr10-23481887-G-A.
Other names: short protein forms G143E.
Identifiers: ClinVar variation 3427464 (VCV003427464.2).

ClinVar aggregate classification (germline): Uncertain significance. Review status: criteria provided, multiple submitters, no conflicts (2 of 4 stars). 2 submissions from 2 submitters: Uncertain significance (2). Last evaluated 2025-09-16.

Conditions:
Inborn genetic diseases. Identifiers: MedGen C0950123, MeSH D030342.

Submissions (2):

Labcorp Genetics (formerly Invitae), Labcorp
Classification: Uncertain significance. Last evaluated: 2025-09-16. Review status: criteria provided, single submitter. Criteria: Invitae Variant Classification Sherloc (09022015). Collection method: clinical testing. Allele origin: germline.
Comment: This sequence change replaces glycine, which is neutral and non-polar, with glutamic acid, which is acidic and polar, at codon 143 of the PTF1A protein (p.Gly143Glu). This variant is not present in population databases (gnomAD no frequency). This variant has not been reported in the literature in individuals affected with PTF1A-related conditions. ClinVar contains an entry for this variant (Variation ID: 3427464). Invitae Evidence Modeling of protein sequence and biophysical properties (such as structural, functional, and spatial information, amino acid conservation, physicochemical variation, residue mobility, and thermodynamic stability) indicates that this missense variant is not expected to disrupt PTF1A protein function with a negative predictive value of 80%. In summary, the available evidence is currently insufficient to determine the role of this variant in disease. Therefore, it has been classified as a Variant of Uncertain Significance.

Ambry Genetics
Classification: Uncertain significance for Inborn genetic diseases. Last evaluated: 2024-09-30. Review status: criteria provided, single submitter. Criteria: Ambry Variant Classification Scheme 2023. Collection method: clinical testing. Allele origin: germline.